The following is an entry in ClinVar:

NM_001348323.3(TRIP12):c.5499G>C (p.Gln1833His)

Gene: TRIP12 (thyroid hormone receptor interactor 12; minus strand). Cytogenetic location: 2q36.3.
Variant type: single nucleotide variant.
Coding change: c.5499G>C on transcript NM_001348323.3 (MANE Select); coding-DNA position 5499, G replaced by C.
Protein change: p.Gln1833His; replaces glutamine 1833 with histidine.
Molecular consequence: missense variant.
Genome position (GRCh38, 1-based): chr2:229,777,345, C>G on the plus strand (G>C on the coding strand, the complement: TRIP12 is on the minus strand). VCF-style: chr2-229777345-C-G. GRCh37 (hg19) VCF-style: chr2-230642061-C-G.
Other names: c.5418G>C, p.Gln1806His (NM_001284214.2, NM_001348315.2); c.5373G>C, p.Gln1791His (NM_001284215.2, NM_001348316.2); c.4464G>C, p.Gln1488His (NM_001284216.2); c.5358G>C, p.Gln1786His (NM_001348317.1, NM_001348318.2); c.5484G>C, p.Gln1828His (NM_001348319.1, NM_001348320.2); c.5487G>C, p.Gln1829His (NM_001348321.1); c.5499G>C, p.Gln1833His (NM_001348322.1, NM_001348324.2, NM_001348325.2 and 2 more transcripts); c.5502G>C, p.Gln1834His (NM_001348328.1, NM_001348329.2, NM_001348330.2); and 4 more; short protein forms Q1786H, Q1807H, Q1833H, Q1799H, Q1806H, Q1829H, Q1834H, Q1828H.
Identifiers: ClinVar variation 4985281 (VCV004985281.1).

ClinVar aggregate classification (germline): Uncertain significance (1 of 4 stars; one submission).

Conditions:
TRIP12-related disorder. Also called: TRIP12-related condition.

gnomAD v4.1: 4 of 1,613,402 alleles (0.00025%); highest among the groups gnomAD compares: Non-Finnish European, 0.00034%; no homozygotes.

Submission:

PreventionGenetics, part of Exact Sciences
Classification: Uncertain significance for TRIP12-related condition. Last evaluated: 2025-12-02. Review status: criteria provided, single submitter. Criteria: ACMG Guidelines, 2015. Collection method: clinical testing. Allele origin: germline.
Comment: The TRIP12 c.5418G>C variant is predicted to result in the amino acid substitution p.Gln1806His. To our knowledge, this variant has not been reported in the literature or in a large population database (gnomAD), indicating this variant is rare. At this time, the clinical significance of this variant is uncertain due to the absence of conclusive functional and genetic evidence.